The following is an entry in ClinVar:

ClinVar aggregate classification (germline): Likely benign. Review status: criteria provided, multiple submitters, no conflicts (2 of 4 stars). 7 submissions from 7 submitters: Likely benign (7). Last evaluated 2026-01-28.

Conditions:
RYR1-related disorder. Also called: RYR1-related disorders; RYR1-related condition. Identifiers: MedGen CN239331.
Malignant hyperthermia, susceptibility to, 1 (MHS1). Also called: RYR1-Related Malignant Hyperthermia Susceptibility; Malignant hyperthermia suceptibility 1; Anesthesia related hyperthermia; Malignant hyperpyrexia; Fulminating hyperpyrexia; Pharmacogenic myopathy. Identifiers: Orphanet 423, MedGen C2930980, MONDO:0007783, OMIM 145600.

Allele frequency attached by ClinVar (database versions not stated): ESP Exome Variant Server 0.00008; gnomAD 0.00008; TOPMed 0.00008.
gnomAD v4.1: 150 of 1,577,028 alleles (0.0095%); highest among the groups gnomAD compares: Non-Finnish European, 0.012%; no homozygotes.

Submissions (7):

Labcorp Genetics (formerly Invitae), Labcorp
Classification: Likely benign for RYR1-related disorder. Last evaluated: 2026-01-28. Review status: criteria provided, single submitter. Criteria: Invitae Variant Classification Sherloc (09022015). Collection method: clinical testing. Allele origin: germline.

All of Us Research Program, National Institutes of Health
Classification: Likely benign for Malignant hyperthermia, susceptibility to, 1. Last evaluated: 2024-01-11. Review status: criteria provided, single submitter. Criteria: ACMG Guidelines, 2015. Collection method: clinical testing. Allele origin: germline. Inheritance: Autosomal dominant inheritance. Observed: 26 variant alleles, 26 heterozygotes.
Comment: This study involves interpretation of variants in research participants for the purpose of population health screening. Participant phenotype was not available at the time of variant classification. Additional details can be found in publication PMID: 35346344, PMCID: PMC8962531

Color Diagnostics, LLC DBA Color Health
Classification: Likely benign for Malignant hyperthermia, susceptibility to, 1. Last evaluated: 2022-11-06. Review status: criteria provided, single submitter. Criteria: ACMG Guidelines, 2015. Collection method: clinical testing. Allele origin: germline.

Blueprint Genetics
Classification: Likely benign. Last evaluated: 2021-08-31. Review status: criteria provided, single submitter. Criteria: ACMG Guidelines, 2015. Collection method: clinical testing. Allele origin: germline.

CeGaT Center for Human Genetics Tuebingen
Classification: Likely benign. Last evaluated: 2019-03-01. Review status: criteria provided, single submitter. Criteria: CeGaT Center For Human Genetics Tuebingen Variant Classification Criteria Version 2. Collection method: clinical testing. Allele origin: germline. Affected: yes. Observed: 1 variant allele.

PreventionGenetics, part of Exact Sciences
Classification: Likely benign. Last evaluated: 2018-03-26. Review status: criteria provided, single submitter. Criteria: ACMG Guidelines, 2015. Collection method: clinical testing. Allele origin: germline.

Breakthrough Genomics
Classification: Likely benign. Review status: criteria provided, single submitter. Criteria: ACMG Guidelines, 2015. Collection method: not provided. Allele origin: germline. Inheritance: Autosomal recessive inheritance. Affected: yes.

NM_000540.3(RYR1):c.4848G>A (p.Thr1616=)

Gene: RYR1 (ryanodine receptor 1; plus strand). Cytogenetic location: 19q13.2.
Variant type: single nucleotide variant.
Coding change: c.4848G>A on transcript NM_000540.3 (MANE Select); coding-DNA position 4848, G replaced by A.
Protein change: p.Thr1616=; no amino-acid change (threonine 1616 retained).
Molecular consequence: synonymous variant.
Genome position (GRCh38, 1-based): chr19:38,483,430, G>A. VCF-style: chr19-38483430-G-A. GRCh37 (hg19) VCF-style: chr19-38974070-G-A.
Other names: c.4848G>A, p.Thr1616= (NM_001042723.2).
Identifiers: ClinVar variation 590544 (VCV000590544.56), dbSNP rs377664365, ClinGen allele CA066465.
Genomic context (GRCh38, chr19:38,483,430, plus strand): 5'-GCAGATGCTGATGCCAGTGTCCTGGAGCCGCATGCCCAACCACTTCCTGCAGGTGGAGAC[G>A]AGGCGTGCCGGCGAGCGGCTGGGCTGGGCCGTGCAGTGCCAGGAGCCGCTGACCATGATG-3'
Protein context (NP_000531.2, residues 1606-1626): RMPNHFLQVE[Thr1616=]RRAGERLGWA